The following is an entry in ClinVar:

ClinVar aggregate classification (germline): Conflicting classifications of pathogenicity. Review status: criteria provided, conflicting classifications (1 of 4 stars). 8 submissions from 8 submitters: Pathogenic (5); Likely pathogenic (1); Uncertain significance (1). 1 of the submissions does not count toward it. Last evaluated 2025-04-09.

Conditions:
Inborn genetic diseases. Identifiers: MedGen C0950123, MeSH D030342.
Glutamate formiminotransferase deficiency. Also called: Formiminoglutamic aciduria; Arakawa syndrome 1. Identifiers: Orphanet 51208, MedGen C0268609, MONDO:0009240, OMIM 229100.

Submissions (8):

Women's Health and Genetics/Laboratory Corporation of America, LabCorp
Classification: Pathogenic for Glutamate formiminotransferase deficiency. Last evaluated: 2025-04-09. Review status: criteria provided, single submitter. Criteria: LabCorp Variant Classification Summary - May 2015. Collection method: clinical testing. Allele origin: germline.
Comment: Variant summary: FTCD c.1366dupG (p.Glu456GlyfsX56) results in a premature termination codon, predicted to cause a truncation of the encoded protein or absence of the protein due to nonsense mediated decay, which are commonly known mechanisms for disease. The variant allele was found at a frequency of 0.00022 in 206520 control chromosomes. This frequency is not significantly higher than estimated for a pathogenic variant in FTCD causing Glutamate Formiminotransferase Deficiency, allowing no conclusion about variant significance. c.1366dupG has been reported in the literature in two compound heterozygous individuals in a family affected with Glutamate Formiminotransferase Deficiency (Majumdar_2017). These data indicate that the variant is very likely to be associated with disease. To our knowledge, no experimental evidence demonstrating an impact on protein function has been reported. The following publications have been ascertained in the context of this evaluation (PMID: 31980526, 29178637). ClinVar contains an entry for this variant (Variation ID: 194078). Based on the evidence outlined above, the variant was classified as pathogenic.

Labcorp Genetics (formerly Invitae), Labcorp
Classification: Pathogenic for Glutamate formiminotransferase deficiency. Last evaluated: 2024-08-04. Review status: criteria provided, single submitter. Criteria: Invitae Variant Classification Sherloc (09022015). Collection method: clinical testing. Allele origin: germline.
Comment: This sequence change creates a premature translational stop signal (p.Glu456Glyfs*56) in the FTCD gene. While this is not anticipated to result in nonsense mediated decay, it is expected to disrupt the last 86 amino acid(s) of the FTCD protein. This variant is present in population databases (rs777099958, gnomAD 0.5%). This premature translational stop signal has been observed in individual(s) with glutamate formiminotransferase deficiency (PMID: 29178637, 30740726). It has also been observed to segregate with disease in related individuals. ClinVar contains an entry for this variant (Variation ID: 194078). Experimental studies and prediction algorithms are not available or were not evaluated, and the functional significance of this variant is currently unknown. This variant disrupts a region of the FTCD protein in which other variant(s) (p.Leu536*) have been determined to be pathogenic (PMID: 29178637, 30740726). This suggests that this is a clinically significant region of the protein, and that variants that disrupt it are likely to be disease-causing. For these reasons, this variant has been classified as Pathogenic.

Department of Pathology and Laboratory Medicine, Sinai Health System
Classification: Pathogenic for formiminoglutamic aciduria. Last evaluated: 2023-07-24. Review status: criteria provided, single submitter. Criteria: ACMG Guidelines, 2015. Collection method: research. Allele origin: germline.

GeneDx
Classification: Likely pathogenic. Last evaluated: 2022-07-06. Review status: criteria provided, single submitter. Criteria: GeneDx Variant Classification Process June 2021. Collection method: clinical testing. Allele origin: germline. Affected: yes.
Comment: Observed with a pathogenic variant in a patient and observed with a variant of uncertain significance in a patient in the published literature, but it is not known whether the variants occurred on the same (in cis) or on different (in trans) chromosomes (Ahrens-Nicklas et al., 2019); Frameshift variant predicted to result in protein truncation, as the last 86 amino acids are replaced with 55 different amino acids, and other loss-of-function variants have been reported downstream in HGMD; This variant is associated with the following publications: (PMID: 31980526, 24077912, 30740726, 29178637)

Ambry Genetics
Classification: Pathogenic for Inborn genetic diseases. Last evaluated: 2022-06-10. Review status: criteria provided, single submitter. Criteria: Ambry Variant Classification Scheme 2023. Collection method: clinical testing. Allele origin: germline.
Comment: The c.1366dupG (p.E456Gfs*56) alteration, located in exon 12 (coding exon 12) of the FTCD gene, consists of a duplication of G at position 1366, causing a translational frameshift with a predicted alternate stop codon after 56 amino acids. This alteration is expected to result in loss of function by premature protein truncation or nonsense-mediated mRNA decay. This alteration has been reported in the compound heterozygous state with a second FTCD alteration in patients with glutamate formiminotransferase deficiency (Majumdar, 2017). Based on the available evidence, this alteration is classified as pathogenic.

CeGaT Center for Human Genetics Tuebingen
Classification: Uncertain significance. Last evaluated: 2018-02-01. Review status: criteria provided, single submitter. Criteria: CeGaT Center For Human Genetics Tuebingen Variant Classification Criteria Version 2. Collection method: clinical testing. Allele origin: germline. Affected: yes. Observed: 1 variant allele.

Eurofins Ntd Llc (ga)
Classification: Pathogenic. Last evaluated: 2014-08-26. Review status: criteria provided, single submitter. Criteria: EGL Classification Definitions. Collection method: clinical testing. Allele origin: germline. Observed: 2 variant alleles, 2 heterozygotes.

OMIM
Classification: Pathogenic for GLUTAMATE FORMIMINOTRANSFERASE DEFICIENCY. Last evaluated: 2022-06-17. Review status: no assertion criteria provided. Collection method: literature only. Allele origin: germline. Not counted in ClinVar's aggregate classification.

Literature cited by the submitters: PubMed 31980526 (cited by Women's Health and Genetics/Laboratory Corporation of America, LabCorp); PubMed 29178637 (cited by 4 submitters); PubMed 30740726 (cited by Labcorp Genetics (formerly Invitae), Labcorp).

NM_206965.2(FTCD):c.1366dup (p.Glu456fs)

Gene: FTCD (formimidoyltransferase cyclodeaminase; minus strand). Cytogenetic location: 21q22.3.
Variant type: Duplication.
Coding change: c.1366dup on transcript NM_206965.2 (MANE Select); coding-DNA position 1366, one base duplicated (G; older notation c.1366dupG).
Protein change: p.Glu456fs; shifts the reading frame from glutamic acid 456.
Molecular consequence: frameshift variant.
Genome position (GRCh38, 1-based): chr21:46,138,585, C duplicated on the plus strand (G on the coding strand, the reverse complement: FTCD is on the minus strand); the first of 2 consecutive C bases (chr21:46,138,585-46,138,586); duplicating either gives the same sequence. VCF-style (leftmost placement, unchanged base first): chr21-46138584-T-TC. GRCh37 (hg19) VCF-style: chr21-47558498-T-TC.
Other names: c.1366dup, p.Glu456fs (NM_001320412.2, NM_006657.3); c.1366dupG (NM_006657.2, NM_006657.3); short protein forms E456fs.
Identifiers: ClinVar variation 194078 (VCV000194078.62), dbSNP rs777099958, ClinGen allele CA200957.